The following is an entry in ClinVar:

NM_017852.5(NLRP2):c.2424A>G (p.Glu808=)

Gene: NLRP2 (NLR family pyrin domain containing 2; plus strand). Cytogenetic location: 19q13.42.
Variant type: single nucleotide variant.
Coding change: c.2424A>G on transcript NM_017852.5 (MANE Select); coding-DNA position 2424, A replaced by G.
Protein change: p.Glu808=; no amino-acid change (glutamic acid 808 retained).
Molecular consequence: synonymous variant. On other transcripts: non-coding transcript variant (1).
Genome position (GRCh38, 1-based): chr19:54,990,079, A>G. VCF-style: chr19-54990079-A-G. GRCh37 (hg19) VCF-style: chr19-55501447-A-G.
Other names: c.2424A>G, p.Glu808= (NM_001174081.3); c.2358A>G, p.Glu786= (NM_001174082.3); c.2355A>G, p.Glu785= (NM_001174083.2); c.2415A>G, p.Glu805= (NM_001348003.2).
Identifiers: ClinVar variation 3055995 (VCV003055995.2), dbSNP rs61735087, ClinGen allele CA310111737.

ClinVar aggregate classification (germline): Benign (0 of 4 stars; one submission).

Conditions:
NLRP2-related disorder. Also called: NLRP2-related condition.

Allele frequency attached by ClinVar (database versions not stated): 1000 Genomes Project 30x 0.00671; 1000 Genomes Project 0.00699; ExAC 0.01183; TOPMed 0.01212; ESP Exome Variant Server 0.01415.
gnomAD v4.1: 25,286 of 1,614,012 alleles (1.6%); highest among the groups gnomAD compares: Non-Finnish European, 1.9%; 259 homozygotes.

Submission:

PreventionGenetics, part of Exact Sciences
Classification: Benign for NLRP2-related condition. Last evaluated: 2019-02-27. Review status: no assertion criteria provided. Collection method: clinical testing. Allele origin: germline.
Comment: This variant is classified as benign based on ACMG/AMP sequence variant interpretation guidelines (Richards et al. 2015 PMID: 25741868, with internal and published modifications).